The following is an entry in ClinVar:

ClinVar aggregate classification (germline): Uncertain significance (1 of 4 stars; one submission).

Allele frequency attached by ClinVar (database versions not stated): gnomAD 0.00003; gnomAD exomes 0.00003; TOPMed 0.00003; ExAC 0.00009; ESP Exome Variant Server 0.00023.
gnomAD v4.1: 51 of 1,612,308 alleles (0.0032%); highest among the groups gnomAD compares: South Asian, 0.022%; no homozygotes.

Submission:

Labcorp Genetics (formerly Invitae), Labcorp
Classification: Uncertain significance. Last evaluated: 2022-03-19. Review status: criteria provided, single submitter. Criteria: Invitae Variant Classification Sherloc (09022015). Collection method: clinical testing. Allele origin: germline.
Comment: This sequence change replaces arginine, which is basic and polar, with histidine, which is basic and polar, at codon 301 of the PPA2 protein (p.Arg301His). This variant is present in population databases (rs146599366, gnomAD 0.02%). This variant has not been reported in the literature in individuals affected with PPA2-related conditions. Algorithms developed to predict the effect of missense changes on protein structure and function output the following: SIFT: "Tolerated"; PolyPhen-2: "Benign"; Align-GVGD: "Class C0". The histidine amino acid residue is found in multiple mammalian species, which suggests that this missense change does not adversely affect protein function. In summary, the available evidence is currently insufficient to determine the role of this variant in disease. Therefore, it has been classified as a Variant of Uncertain Significance.

NM_176869.3(PPA2):c.902G>A (p.Arg301His)

Gene: PPA2 (inorganic pyrophosphatase 2; minus strand). Cytogenetic location: 4q24.
Variant type: single nucleotide variant.
Coding change: c.902G>A on transcript NM_176869.3 (MANE Select); coding-DNA position 902, G replaced by A.
Protein change: p.Arg301His; replaces arginine 301 with histidine.
Molecular consequence: missense variant.
Genome position (GRCh38, 1-based): chr4:105,386,604, C>T on the plus strand (G>A on the coding strand, the complement: PPA2 is on the minus strand). VCF-style: chr4-105386604-C-T. GRCh37 (hg19) VCF-style: chr4-106307761-C-T.
Other names: c.815G>A, p.Arg272His (NM_006903.4); c.596G>A, p.Arg199His (NM_176866.2); c.404G>A, p.Arg135His (NM_176867.3); short protein forms R199H, R301H, R272H, R135H.
Identifiers: ClinVar variation 1905345 (VCV001905345.2), dbSNP rs146599366, ClinGen allele CA3032372.